The following is an entry in ClinVar:

ClinVar aggregate classification (germline): Uncertain significance (1 of 4 stars; one submission).

Conditions:
PPARG-related familial partial lipodystrophy. Also called: LIPODYSTROPHY, FAMILIAL PARTIAL, ASSOCIATED WITH PPARG MUTATIONS. Identifiers: Orphanet 79083, MedGen C1720861, MONDO:0011448, OMIM 604367.

Submission:

MVZ Medizinische Genetik Mainz
Classification: Uncertain significance for PPARG-related familial partial lipodystrophy. Last evaluated: 2026-03-17. Review status: criteria provided, single submitter. Criteria: UK Practice Guidelines For Variant Classification V4 01 2020. Collection method: clinical testing. Allele origin: germline. Inheritance: Autosomal dominant inheritance. Affected: yes. Observed: 1 variant allele.
Comment: ACMG Criteria: PP3_MOD,PM2_SUP,PP2

NM_138711.6(PPARG):c.413G>T (p.Arg138Ile)

Gene: PPARG (peroxisome proliferator activated receptor gamma; plus strand). Cytogenetic location: 3p25.2.
Variant type: single nucleotide variant.
Coding change: c.413G>T on transcript NM_138711.6 (MANE Select); coding-DNA position 413, G replaced by T.
Protein change: p.Arg138Ile; replaces arginine 138 with isoleucine.
Molecular consequence: missense variant. On other transcripts: 5 prime UTR variant (1).
Genome position (GRCh38, 1-based): chr3:12,392,636, G>T. VCF-style: chr3-12392636-G-T. GRCh37 (hg19) VCF-style: chr3-12434135-G-T.
Other names: c.413G>T, p.Arg138Ile (NM_001330615.4, NM_005037.7, NM_138712.5 and 6 more transcripts); c.419G>T, p.Arg140Ile (NM_001374266.1, NM_001354670.2); c.503G>T, p.Arg168Ile (NM_015869.5, NM_001354668.2, NM_001374265.1); c.-15G>T (NM_001354669.2); short protein forms R138I, R140I, R168I.
Identifiers: ClinVar variation 4849219 (VCV004849219.1).